The following is an entry in ClinVar:

NM_000478.6(ALPL):c.1259G>T (p.Gly420Val)

Gene: ALPL (alkaline phosphatase, biomineralization associated; plus strand). Cytogenetic location: 1p36.12.
Variant type: single nucleotide variant.
Coding change: c.1259G>T on transcript NM_000478.6 (MANE Select); coding-DNA position 1259, G replaced by T.
Protein change: p.Gly420Val; replaces glycine 420 with valine.
Molecular consequence: missense variant.
Genome position (GRCh38, 1-based): chr1:21,576,591, G>T. VCF-style: chr1-21576591-G-T. GRCh37 (hg19) VCF-style: chr1-21903084-G-T.
Other names: c.1094G>T, p.Gly365Val (NM_001127501.4); c.1028G>T, p.Gly343Val (NM_001177520.3); c.1259G>T, p.Gly420Val (NM_001369803.2, NM_001369804.2, NM_001369805.2); short protein forms G343V, G365V, G420V.
Identifiers: ClinVar variation 4086883 (VCV004086883.1).

ClinVar aggregate classification (germline): Likely pathogenic (1 of 4 stars; one submission).

Conditions:
Hypophosphatasia. Also called: Phosphoethanol-aminuria. Identifiers: Orphanet 436, MedGen C0020630, MeSH D007014, MONDO:0018570.

Submission:

Genomenon, Inc
Classification: Likely pathogenic for Hypophosphatasia. Last evaluated: 2025-08-29. Review status: criteria provided, single submitter. Criteria: Genomenon Sequence Variant Interpretation Standards. Collection method: curation. Allele origin: germline. Affected: yes.
Comment: ALPL p.Gly420Val (c.1259G>T) is a missense variant that changes the amino acid at residue 420 from Glycine to Valine. This variant has been observed in at least one proband affected with hypophosphatasia (PMID:36361766). It is absent or not present at a significant frequency in gnomAD. In silico models agree that this variant is possibly or probably damaging. In conclusion, we classify ALPL p.Gly420Val (c.1259G>T) as a likely pathogenic variant.

Literature cited by the submitters: PubMed 36361766.